The following is an entry in ClinVar:

ClinVar aggregate classification (germline): Uncertain significance (1 of 4 stars; one submission).

Submission:

Labcorp Genetics (formerly Invitae), Labcorp
Classification: Uncertain significance. Last evaluated: 2021-04-16. Review status: criteria provided, single submitter. Criteria: Invitae Variant Classification Sherloc (09022015). Collection method: clinical testing. Allele origin: germline.
Comment: In summary, the available evidence is currently insufficient to determine the role of this variant in disease. Therefore, it has been classified as a Variant of Uncertain Significance. Algorithms developed to predict the effect of missense changes on protein structure and function are either unavailable or do not agree on the potential impact of this missense change (SIFT: "Deleterious"; PolyPhen-2: "Possibly Damaging"; Align-GVGD: "Class C0"). This variant has not been reported in the literature in individuals with EYS-related conditions. This variant is not present in population databases (ExAC no frequency). This sequence change replaces isoleucine with methionine at codon 3124 of the EYS protein (p.Ile3124Met). The isoleucine residue is moderately conserved and there is a small physicochemical difference between isoleucine and methionine.

NM_001142800.2(EYS):c.9372T>G (p.Ile3124Met)

Genes: EYS (EGF-like photoreceptor maintenance factor; minus strand), PHF3 (PHD finger protein 3; plus strand). Cytogenetic location: 6q12.
Variant type: single nucleotide variant.
Coding change: c.9372T>G on transcript NM_001142800.2 (MANE Select); coding-DNA position 9372, T replaced by G.
Protein change: p.Ile3124Met; replaces isoleucine 3124 with methionine.
Molecular consequence: missense variant. On other transcripts: 3 prime UTR variant (5).
Genome position (GRCh38, 1-based): chr6:63,720,659, A>C on the plus strand (T>G on the coding strand, the complement: EYS is on the minus strand). VCF-style: chr6-63720659-A-C. GRCh37 (hg19) VCF-style: chr6-64430555-A-C.
Other names: c.*6951A>C (NM_001290259.2, NM_001370348.2, NM_001370349.2 and 2 more transcripts); c.9435T>G, p.Ile3145Met (NM_001292009.2); short protein forms I3124M, I3145M.
Identifiers: ClinVar variation 1517976 (VCV001517976.8), dbSNP rs2149623464, ClinGen allele CA364382626.